The following is an entry in ClinVar:

ClinVar aggregate classification (germline): Uncertain significance. Review status: criteria provided, multiple submitters, no conflicts (2 of 4 stars). 2 submissions from 2 submitters: Uncertain significance (2). Last evaluated 2026-04-02.

Conditions:
Inborn genetic diseases. Identifiers: MedGen C0950123, MeSH D030342.

Submissions (2):

Ambry Genetics
Classification: Uncertain significance for Inborn genetic diseases. Last evaluated: 2026-04-02. Review status: criteria provided, single submitter. Criteria: Ambry Variant Classification Scheme 2023. Collection method: clinical testing. Allele origin: germline.
Comment: The p.T315S variant (also known as c.944C>G), located in coding exon 7 of the CDH2 gene, results from a C to G substitution at nucleotide position 944. The threonine at codon 315 is replaced by serine, an amino acid with similar properties. This amino acid position is conserved. In addition, this alteration is predicted to be tolerated by in silico analysis. Based on the available evidence, the clinical significance of this variant remains unclear.

Labcorp Genetics (formerly Invitae), Labcorp
Classification: Uncertain significance. Last evaluated: 2023-06-02. Review status: criteria provided, single submitter. Criteria: Invitae Variant Classification Sherloc (09022015). Collection method: clinical testing. Allele origin: germline.
Comment: Algorithms developed to predict the effect of missense changes on protein structure and function output the following: SIFT: "Not Available"; PolyPhen-2: "Benign"; Align-GVGD: "Not Available". The serine amino acid residue is found in multiple mammalian species, which suggests that this missense change does not adversely affect protein function. This variant has not been reported in the literature in individuals affected with CDH2-related conditions. This variant is not present in population databases (gnomAD no frequency). This sequence change replaces threonine, which is neutral and polar, with serine, which is neutral and polar, at codon 315 of the CDH2 protein (p.Thr315Ser). In summary, the available evidence is currently insufficient to determine the role of this variant in disease. Therefore, it has been classified as a Variant of Uncertain Significance.

NM_001792.5(CDH2):c.944C>G (p.Thr315Ser)

Gene: CDH2 (cadherin 2; minus strand). Cytogenetic location: 18q12.1.
Variant type: single nucleotide variant.
Coding change: c.944C>G on transcript NM_001792.5 (MANE Select); coding-DNA position 944, C replaced by G.
Protein change: p.Thr315Ser; replaces threonine 315 with serine.
Molecular consequence: missense variant.
Genome position (GRCh38, 1-based): chr18:28,003,073, G>C on the plus strand (C>G on the coding strand, the complement: CDH2 is on the minus strand). VCF-style: chr18-28003073-G-C. GRCh37 (hg19) VCF-style: chr18-25583037-G-C.
Other names: c.851C>G, p.Thr284Ser (NM_001308176.2); c.944C>G (NM_001792.3); short protein forms T315S, T284S.
Identifiers: ClinVar variation 2757917 (VCV002757917.4), dbSNP rs2510808437, ClinGen allele CA402242823.
Genomic context (GRCh38, chr18:28,003,073, plus strand): 5'-GCTGCCACTGTGATGATGTCACCAGTCTCATTGTTGATTGTAAACATGTTGGGTGAAGGG[G>C]TGCTTGGAGCCTGAGACACGATTCTGTACCTCAACATCCCATTGAGGGCATTGGGATCGT-3'
Protein context (NP_001783.2, residues 305-325): RYRIVSQAPS[Thr315Ser]PSPNMFTINN